The following is an entry in ClinVar:

ClinVar aggregate classification (germline): Benign. Review status: criteria provided, multiple submitters, no conflicts (2 of 4 stars). 3 submissions from 3 submitters: Benign (2). 1 of the submissions does not count toward it. Last evaluated 2026-02-02.

Conditions:
NFATC1-related disorder. Also called: NFATC1-related condition.

Allele frequency attached by ClinVar (database versions not stated): gnomAD exomes 0.00379 and 0.00984; ExAC 0.01259; gnomAD 0.03875 and 0.04160; ESP Exome Variant Server 0.04198; 1000 Genomes Project 0.04333; TOPMed 0.04379; 1000 Genomes Project 30x 0.04513.
gnomAD v4.1: 11,657 of 1,607,194 alleles (0.73%); highest among the groups gnomAD compares: African/African-American, 13%; 686 homozygotes.

Submissions (3):

Labcorp Genetics (formerly Invitae), Labcorp
Classification: Benign. Last evaluated: 2026-02-02. Review status: criteria provided, single submitter. Criteria: Invitae Variant Classification Sherloc (09022015). Collection method: clinical testing. Allele origin: germline.

Breakthrough Genomics
Classification: Benign. Review status: criteria provided, single submitter. Criteria: ACMG Guidelines, 2015. Collection method: not provided. Allele origin: germline. Inheritance: Unknown mechanism. Affected: yes.

PreventionGenetics, part of Exact Sciences
Classification: Benign for NFATC1-related condition. Last evaluated: 2019-07-30. Review status: no assertion criteria provided. Collection method: clinical testing. Allele origin: germline. Not counted in ClinVar's aggregate classification.
Comment: This variant is classified as benign based on ACMG/AMP sequence variant interpretation guidelines (Richards et al. 2015 PMID: 25741868, with internal and published modifications).

NM_001278669.2(NFATC1):c.1983G>A (p.Pro661=)

Gene: NFATC1 (nuclear factor of activated T cells 1; plus strand). Cytogenetic location: 18q23.
Variant type: single nucleotide variant.
Coding change: c.1983G>A on transcript NM_001278669.2 (MANE Select); coding-DNA position 1983, G replaced by A.
Protein change: p.Pro661=; no amino-acid change (proline 661 retained).
Molecular consequence: synonymous variant.
Genome position (GRCh38, 1-based): chr18:79,467,473, G>A. VCF-style: chr18-79467473-G-A. GRCh37 (hg19) VCF-style: chr18-77227473-G-A.
Other names: c.1983G>A, p.Pro661= (NM_001278670.2, NM_006162.5, NM_172390.3); c.1944G>A, p.Pro648= (NM_001278672.2, NM_001278675.2, NM_172387.3 and 1 more transcripts); c.567G>A, p.Pro189= (NM_001278673.2, NM_172388.3); c.1983G>A (NM_001278669.1).
Identifiers: ClinVar variation 1654169 (VCV001654169.11), dbSNP rs25658, ClinGen allele CA9009454.
Genomic context (GRCh38, chr18:79,467,473, plus strand): 5'-GTGCTGATTGTGCCTCCTGTGTGCCCTTCTCCTGTAGAATTCTCTGGTGGTTGAGATCCC[G>A]CCATTTCGGAATCAGAGGATAACCAGCCCCGTTCACGTCAGTTTCTACGTCTGCAACGGG-3'
Protein context (NP_001265598.1, residues 651-671): CKPNSLVVEI[Pro661=]PFRNQRITSP